The following continues an entry in ClinVar:

NM_000262.3(NAGA):c.973G>A (p.Glu325Lys)

Gene: NAGA. ClinVar aggregate classification (germline): Conflicting classifications of pathogenicity. Pathogenic (15); Likely pathogenic (10); Uncertain significance (5).

Submissions 15 to 25 of 32:

Victorian Clinical Genetics Services, Murdoch Childrens Research Institute
Classification: Pathogenic for Alpha-N-acetylgalactosaminidase deficiency. Last evaluated: 2022-02-02. Review status: criteria provided, single submitter. Criteria: ACMG Guidelines, 2015. Collection method: clinical testing. Allele origin: germline. Inheritance: Autosomal recessive inheritance. Affected: yes.
Comment: Based on the classification scheme VCGS_Germline_v1.3.4, this variant is classified as Pathogenic. Following criteria are met: 0102 - Loss of function is a known mechanism of disease in this gene and is associated with alpha-N-acetylgalactosaminidase deficiency (MONDO#0017779). (I) 0106 - This gene is associated with autosomal recessive disease. (I) 0115 - Variants in this gene are known to have variable expressivity. The clinical heterogeneity among individuals with alpha-N-acetylgalactosaminidase ranges from 'non-disease' to infantile neuroaxonal dystrophy (PMID:11313741). (I) 0200 - Variant is predicted to result in a missense amino acid change from glutamic acid to lysine. (I) 0251 - This variant is heterozygous. (I) 0304 - Variant is present in gnomAD (v2) <0.01 for a recessive condition (696 heterozygotes, 0 homozygotes). (SP) 0503 - Missense variant consistently predicted to be tolerated by multiple in silico tools or not conserved in placental mammals with a minor amino acid change. (SB) 0600 - Variant is located in the annotated alpha galactosidase A C-terminal beta sandwich domain (NCBI). (I) 0801 - This variant has strong previous evidence of pathogenicity in unrelated individuals. It has been reported in many individuals with alpha-N-acetylgalactosaminidase (NAGA) deficiency and with variable clinical presentation (ClinVar, PMIDs: 11313741, 17171432). (SP) 1001 - This variant has strong functional evidence supporting abnormal protein function. Profound NAGA enzyme deficiency has been reported in tissue samples from individuals who are homozygous or compound heterozygous with this variant (PMIDs: 11313741, 17171432). (SP) 1208 - Inheritance information for this variant is not currently available in this individual. (I) Legend: (SP) - Supporting pathogenic, (I) - Information, (SB) - Supporting benign

GeneDx
Classification: Pathogenic. Last evaluated: 2021-12-06. Review status: criteria provided, single submitter. Criteria: GeneDx Variant Classification Process June 2021. Collection method: clinical testing. Allele origin: germline. Affected: yes.
Comment: Functional studies indicate this variant results in loss of alpha-N-acetylgalactosaminidase activity (Wang et al., 1990); This variant is associated with the following publications: (PMID: 17171432, 19683538, 29373990, 30487145, 8040340, 14685826, 8782044, 2243144, 11313741, 27138754, 29431110, 31980526, 31589614, 32860008)

Genetics and Molecular Pathology, SA Pathology
Classification: Likely pathogenic for Alpha-N-acetylgalactosaminidase deficiency type 2. Last evaluated: 2021-10-27. Review status: criteria provided, single submitter. Criteria: ACMG Guidelines, 2015. Collection method: clinical testing. Allele origin: germline. Inheritance: Autosomal recessive inheritance. Affected: yes.
Comment: The NAGA c.973G>A variant is classified as Likely Pathogenic (PS3, PM3_S, PP3, PP5) This variant is a single nucleotide change from a guanine to an adenine at position 973 which is predicted to change the glutamic acid at position 325 in the protein to lysine. The variant has been reported in both the homozygous and compound heterozygous states in multiple individuals affected with alpha-NAGA deficiency, with variable expressivity and reduced penetrance (PMID: 2243144, 8782044, 1313741) (PM3_S). Functional studies demostrated that this variant results significantly reduced in the alpha-NAGA enzyme activity (PMID: 2243144, 8040340, 14685826) (PS3). The variant is in dbSNP (rs121434529) and has been reported in population databases (gnomAD (v3.1.2) 331/152198, 0 homozygote). The variant has been reported in ClinVar (ID: 18162) and HGMD (Accession: CM900169) as a disease causing variant (PP5). Computational predictions support a deleterious effect on the gene or gene product (PP3).

Greenwood Genetic Center Diagnostic Laboratories, Greenwood Genetic Center
Classification: Likely pathogenic for Alpha-N-acetylgalactosaminidase deficiency type 1; Alpha-N-acetylgalactosaminidase deficiency type 2. Last evaluated: 2021-08-12. Review status: criteria provided, single submitter. Criteria: ACMG Guidelines, 2015. Collection method: clinical testing. Allele origin: germline. Affected: yes.
Comment: PS3, PP3, PM3

Institute of Medical Genetics and Applied Genomics, University Hospital Tübingen
Classification: Pathogenic. Last evaluated: 2020-10-23. Review status: criteria provided, single submitter. Criteria: ACMG Guidelines, 2015. Collection method: clinical testing. Allele origin: germline. Inheritance: Autosomal recessive inheritance. Affected: yes.

Women's Health and Genetics/Laboratory Corporation of America, LabCorp
Classification: Pathogenic for Alpha-N-acetylgalactosaminidase deficiency type 2. Last evaluated: 2020-05-11. Review status: criteria provided, single submitter. Criteria: LabCorp Variant Classification Summary - May 2015. Collection method: clinical testing. Allele origin: germline.
Comment: Variant summary: NAGA c.973G>A (p.Glu325Lys) results in a conservative amino acid change located in the Alpha galactosidase A, C-terminal beta-sandwich domain (IPR035373) of the encoded protein sequence. Three of five in-silico tools predict a damaging effect of the variant on protein function. The variant allele was found at a frequency of 0.0025 in 251354 control chromosomes (gnomAD). c.973G>A has been reported in the literature in multiple individuals affected with alpha-N-Acetylgalactosamidase defiency, primarily with infantile-onset (AKA Schindler disease; examples- Wang_1990, Keulemans_1996, Bakker_2001, Chabas_2007). These data indicate that the variant is very likely to be associated with disease. The variant has also been detected as both homozygous (e.g. Keulemans_1996) and compound heterozygous (e.g. Bakker_2001) in asymptomatic siblings of children with Schindler disease, indicating that this variant may result in a spectrum of clinical presentations. Several publications report experimental evidence evaluating an impact on protein function. The most pronounced variant effect results in <10% of normal enzyme activity (examples: Wang_1990, Bakker_2001). Seven other clinical diagnostic laboratories have submitted clinical-significance assessments for this variant to ClinVar after 2014 without evidence for independent evaluation. All laboratories classified the variant as pathogenic/likely pathogenic. Based on the evidence outlined above, the variant was classified as pathogenic.

Genomic Research Center, Shahid Beheshti University of Medical Sciences
Classification: Uncertain significance for Alpha-N-acetylgalactosaminidase deficiency type 1. Last evaluated: 2020-05-03. Review status: criteria provided, single submitter. Criteria: ACMG Guidelines, 2015. Collection method: clinical testing. Allele origin: unknown. Affected: yes.

Cambridge Genomics Laboratory, East Genomic Laboratory Hub, NHS Genomic Medicine Service
Classification: Uncertain significance for Intellectual disability. Last evaluated: 2020-03-30. Review status: criteria provided, single submitter. Criteria: ACGS Best Practice Guidelines for Variant Classification in Rare Disease 2020. Collection method: clinical testing. Allele origin: germline. Affected: yes. Observed: 1 variant allele.

Laboratorio de Genetica e Diagnostico Molecular, Hospital Israelita Albert Einstein
Classification: Likely pathogenic. Last evaluated: 2019-07-07. Review status: criteria provided, single submitter. Criteria: ACMG Guidelines, 2015. Collection method: clinical testing. Allele origin: germline. Affected: yes.
Comment: ACMG classification criteria: PS3, PM3, PP1, PP2, PP3

Laboratory for Molecular Medicine, Mass General Brigham Personalized Medicine
Classification: Uncertain significance. Last evaluated: 2019-05-30. Review status: criteria provided, single submitter. Criteria: LMM Criteria. Collection method: clinical testing. Allele origin: germline. Observed: 1 variant allele.
Comment: The p.Glu325Lys variant in NAGA has been previously reported in 4 individuals with Schindler disease: 3 in the homozygous state from consanguineous families, and one in the compound heterozygous state with another presumably pathogenic NAGA variant and segregated with disease in 1 affected family member (Wang 1990, Keulemans 1996, Bakker 2001, Clark 2009). However two siblings of two affected individuals had the p.Glu325Lys variant (1 homozygote and 1 compound heterozygote) but were clinically unaffected, despite reduced enzyme activity (Wang 1990, Wang 1994, Keulemans 1996, Bakker 2001, Clark 2009). Thus, variable expressivity and reduced penetrance has been suggested to occur in Schindler disease. The p.Glu325Lys variant has also been identified in 0.4% (515/129126) European chromosomes by gnomAD, which is significantly higher than the maximum expected allele frequency for a rare disease. Computational prediction tools and conservation analyses suggest this variant may not impact the protein, though this information is not predictive enough to rule out pathogenicity. In summary, the clinical significance of the p.Glu325Lys variant is uncertain due to conflicting evidence. ACMG/AMP criteria applied: PM3, PS3_Supporting, BS1, BP4.

Fulgent Genetics
Classification: Likely pathogenic for Alpha-N-acetylgalactosaminidase deficiency type 1; Alpha-N-acetylgalactosaminidase deficiency type 2. Last evaluated: 2018-10-31. Review status: criteria provided, single submitter. Criteria: ACMG Guidelines, 2015. Collection method: clinical testing. Allele origin: unknown.